The following is an entry in ClinVar:

NM_000062.3(SERPING1):c.890-15_890-14insG

Gene: SERPING1 (serpin family G member 1; plus strand). Cytogenetic location: 11q12.1.
Variant type: Insertion.
Coding change: c.890-15_890-14insG on transcript NM_000062.3 (MANE Select); 15 bases into the intron before coding-DNA position 890 through 14 bases into the intron before coding-DNA position 890, G inserted.
Molecular consequence: intron variant.
Genome position: GRCh38 VCF-style: chr11-57606393-A-AG. GRCh37 (hg19) VCF-style: chr11-57373866-A-AG.
Other names: c.890-15_890-14insG (NM_001032295.2).
Identifiers: ClinVar variation 1353874 (VCV001353874.6), dbSNP rs2135318121, ClinGen allele CA2573147318.

ClinVar aggregate classification (germline): Uncertain significance (1 of 4 stars; one submission).

Submission:

Labcorp Genetics (formerly Invitae), Labcorp
Classification: Uncertain significance. Last evaluated: 2021-11-27. Review status: criteria provided, single submitter. Criteria: Invitae Variant Classification Sherloc (09022015). Collection method: clinical testing. Allele origin: germline.
Comment: This sequence change falls in intron 5 of the SERPING1 gene. It does not directly change the encoded amino acid sequence of the SERPING1 protein. This variant is not present in population databases (gnomAD no frequency). This variant has not been reported in the literature in individuals affected with SERPING1-related conditions. Algorithms developed to predict the effect of sequence changes on RNA splicing suggest that this variant is not likely to affect RNA splicing. In summary, the available evidence is currently insufficient to determine the role of this variant in disease. Therefore, it has been classified as a Variant of Uncertain Significance.